The following is an entry in ClinVar:

ClinVar aggregate classification (germline): Conflicting classifications of pathogenicity. Review status: criteria provided, conflicting classifications (1 of 4 stars). 4 submissions from 4 submitters: Uncertain significance (1); Likely benign (3). Last evaluated 2026-02-01.

Conditions:
PPP1R12A-related disorder. Also called: PPP1R12A-related condition.
Inborn genetic diseases. Identifiers: MedGen C0950123, MeSH D030342.

gnomAD v4.1: 119 of 1,612,866 alleles (0.0074%); highest among the groups gnomAD compares: South Asian, 0.063%; no homozygotes.

Submissions (4):

CeGaT Center for Human Genetics Tuebingen
Classification: Likely benign. Last evaluated: 2026-02-01. Review status: criteria provided, single submitter. Criteria: CeGaT Center For Human Genetics Tuebingen Variant Classification Criteria Version 2. Collection method: clinical testing. Allele origin: germline. Affected: yes. Observed: 1 variant allele.
Comment: PPP1R12A: BP4, BS2

PreventionGenetics, part of Exact Sciences
Classification: Likely benign for PPP1R12A-related condition. Last evaluated: 2025-08-21. Review status: criteria provided, single submitter. Criteria: ACMG Guidelines, 2015. Collection method: clinical testing. Allele origin: germline.
Comment: This variant is classified as likely benign based on ACMG/AMP sequence variant interpretation guidelines (Richards et al. 2015 PMID: 25741868, with internal and published modifications).

Ambry Genetics
Classification: Uncertain significance for Inborn genetic diseases. Last evaluated: 2025-08-08. Review status: criteria provided, single submitter. Criteria: Ambry Variant Classification Scheme 2023. Collection method: clinical testing. Allele origin: germline.

Labcorp Genetics (formerly Invitae), Labcorp
Classification: Likely benign. Last evaluated: 2024-04-17. Review status: criteria provided, single submitter. Criteria: Invitae Variant Classification Sherloc (09022015). Collection method: clinical testing. Allele origin: germline.

NM_002480.3(PPP1R12A):c.2720G>A (p.Arg907His)

Gene: PPP1R12A (protein phosphatase 1 regulatory subunit 12A; minus strand). Cytogenetic location: 12q21.2.
Variant type: single nucleotide variant.
Coding change: c.2720G>A on transcript NM_002480.3 (MANE Select); coding-DNA position 2720, G replaced by A.
Protein change: p.Arg907His; replaces arginine 907 with histidine.
Molecular consequence: missense variant.
Genome position (GRCh38, 1-based): chr12:79,788,730, C>T on the plus strand (G>A on the coding strand, the complement: PPP1R12A is on the minus strand). VCF-style: chr12-79788730-C-T. GRCh37 (hg19) VCF-style: chr12-80182510-C-T.
Other names: c.2720G>A, p.Arg907His (NM_001143885.2, NM_001244990.2); c.2459G>A, p.Arg820His (NM_001143886.2); c.2552G>A, p.Arg851His (NM_001244992.1); c.2720G>A (NM_002480.2); short protein forms R851H, R907H, R820H.
Identifiers: ClinVar variation 3637109 (VCV003637109.8).